The following is an entry in ClinVar:

ClinVar aggregate classification (germline): Uncertain significance (1 of 4 stars; one submission).

Conditions:
Inborn genetic diseases. Identifiers: MedGen C0950123, MeSH D030342.

Submission:

Ambry Genetics
Classification: Uncertain significance for Inborn genetic diseases. Last evaluated: 2025-06-13. Review status: criteria provided, single submitter. Criteria: Ambry Variant Classification Scheme 2023. Collection method: clinical testing. Allele origin: germline.
Comment: The p.P1156H variant (also known as c.3467C>A), located in coding exon 32 of the RTEL1 gene, results from a C to A substitution at nucleotide position 3467. The proline at codon 1156 is replaced by histidine, an amino acid with similar properties. This amino acid position is conserved. In addition, this alteration is predicted to be tolerated by in silico analysis. Based on the available evidence, the clinical significance of this variant remains unclear.

NM_001283009.2(RTEL1):c.3467C>A (p.Pro1156His)

Genes: RTEL1 (regulator of telomere elongation helicase 1; plus strand), RTEL1-TNFRSF6B (RTEL1-TNFRSF6B readthrough (NMD candidate); plus strand). Cytogenetic location: 20q13.33.
Variant type: single nucleotide variant.
Coding change: c.3467C>A on transcript NM_001283009.2 (MANE Select); coding-DNA position 3467, C replaced by A.
Protein change: p.Pro1156His; replaces proline 1156 with histidine.
Molecular consequence: missense variant. On other transcripts: non-coding transcript variant (1).
Genome position (GRCh38, 1-based): chr20:63,695,189, C>A. VCF-style: chr20-63695189-C-A. GRCh37 (hg19) VCF-style: chr20-62326542-C-A.
Other names: c.2798C>A, p.Pro933His (NM_001283010.1); c.3467C>A, p.Pro1156His (NM_016434.4); c.3539C>A, p.Pro1180His (NM_032957.5); short protein forms P1180H, P1156H, P933H.
Identifiers: ClinVar variation 3948489 (VCV003948489.1).